The following is an entry in ClinVar:

NM_133510.4(RAD51B):c.91T>C (p.Leu31=)

Gene: RAD51B (RAD51 paralog B; plus strand). Cytogenetic location: 14q24.1.
Variant type: single nucleotide variant.
Coding change: c.91T>C on transcript NM_133510.4 (MANE Select); coding-DNA position 91, T replaced by C.
Protein change: p.Leu31=; no amino-acid change (leucine 31 retained).
Molecular consequence: synonymous variant. On other transcripts: 5 prime UTR variant (2).
Genome position (GRCh38, 1-based): chr14:67,825,470, T>C. VCF-style: chr14-67825470-T-C. GRCh37 (hg19) VCF-style: chr14-68292187-T-C.
Other names: NP_001308747.1:p.Leu31=; c.91T>C (NM_133510.3); c.91T>C, p.Leu31= (NM_001321809.2, NM_001321810.2, NM_001321812.1 and 6 more transcripts); c.-24T>C (NM_001321815.1); c.-365T>C (NM_001321817.2).
Identifiers: ClinVar variation 714335 (VCV000714335.7), dbSNP rs114131734, ClinGen allele CA7240946.
Genomic context (GRCh38, chr14:67,825,470, plus strand): 5'-CTAGTATCTTTGTTACACATATATGTTTAAAATACTCTCTTTATGTTTCTTTAGGACTTT[T>C]TATGTCTTTCCCCACTGGAGCTTATGAAGGTGACTGGTCTGAGTTATCGAGGTGTCCATG-3'
Protein context (NP_598194.1, residues 21-41): RHQILTCQDF[Leu31=]CLSPLELMKV

ClinVar aggregate classification (germline): Benign. Review status: criteria provided, multiple submitters, no conflicts (2 of 4 stars). 5 submissions from 5 submitters: Benign (5). Last evaluated 2026-09-01.

Conditions:
Hereditary breast ovarian cancer syndrome. Also called: Hereditary breast and ovarian cancer syndrome (HBOC); Hereditary breast and ovarian cancer; Hereditary breast and/or ovarian cancer syndrome; BRCA1- and BRCA2-Associated Hereditary Breast and Ovarian Cancer; Breast and ovarian cancer; Hereditary breast and ovarian cancer syndrome. Identifiers: Orphanet 145, MedGen C0677776, MeSH D061325, MONDO:0003582. Disease mechanism: loss of function.

Allele frequency attached by ClinVar (database versions not stated): gnomAD exomes 0.00102 and 0.00267; ExAC 0.00338; 1000 Genomes Project 0.00899; 1000 Genomes Project 30x 0.00984; gnomAD 0.01127 and 0.01232; ESP Exome Variant Server 0.01261; TOPMed 0.01273.
gnomAD v4.1: 3,297 of 1,608,320 alleles (0.2%); highest among the groups gnomAD compares: African/African-American, 3.7%; 69 homozygotes.

Submissions (5):

CeGaT Center for Human Genetics Tuebingen
Classification: Benign. Last evaluated: 2026-09-01. Review status: criteria provided, single submitter. Criteria: CeGaT Center For Human Genetics Tuebingen Variant Classification Criteria Version 2. Collection method: clinical testing. Allele origin: germline. Affected: yes. Observed: 1 variant allele.
Comment: RAD51B: BP4, BP7, BS1, BS2

Ambry Genetics
Classification: Benign. Last evaluated: 2024-10-28. Review status: criteria provided, single submitter. Criteria: Ambry Variant Classification Scheme 2023. Collection method: clinical testing. Allele origin: germline.

National Health Laboratory Service, Universitas Academic Hospital and University of the Free State
Classification: Benign for Hereditary breast ovarian cancer syndrome. Last evaluated: 2022-04-19. Review status: criteria provided, single submitter. Criteria: ACMG Guidelines, 2015. Collection method: clinical testing. Allele origin: germline. Affected: yes. Observed: 24 variant alleles.

Labcorp Genetics (formerly Invitae), Labcorp
Classification: Benign. Last evaluated: 2018-12-20. Review status: criteria provided, single submitter. Criteria: Invitae Variant Classification Sherloc (09022015). Collection method: clinical testing. Allele origin: germline.

Breakthrough Genomics
Classification: Benign. Review status: criteria provided, single submitter. Criteria: ACMG Guidelines, 2015. Collection method: not provided. Allele origin: germline. Inheritance: Unknown mechanism. Affected: yes.